The following is an entry in ClinVar:

NM_022124.6(CDH23):c.1311G>C (p.Val437=)

Gene: CDH23 (cadherin related 23; plus strand). Cytogenetic location: 10q22.1.
Variant type: single nucleotide variant.
Coding change: c.1311G>C on transcript NM_022124.6 (MANE Select); coding-DNA position 1311, G replaced by C.
Protein change: p.Val437=; no amino-acid change (valine 437 retained).
Molecular consequence: synonymous variant.
Genome position (GRCh38, 1-based): chr10:71,646,479, G>C. VCF-style: chr10-71646479-G-C. GRCh37 (hg19) VCF-style: chr10-73406236-G-C.
Other names: c.1311G>C, p.Val437= (NM_001171930.2, NM_001171931.2, NM_052836.4).
Identifiers: ClinVar variation 708112 (VCV000708112.17), dbSNP rs748738274, ClinGen allele CA5543772.

ClinVar aggregate classification (germline): Likely benign. Review status: criteria provided, multiple submitters, no conflicts (2 of 4 stars). 4 submissions from 4 submitters: Likely benign (4). Last evaluated 2025-12-28.

Conditions:
CDH23-related disorder. Also called: CDH23-related disorders; CDH23-related condition.

Allele frequency attached by ClinVar (database versions not stated): gnomAD 0.00003 and 0.00004; TOPMed 0.00004; gnomAD exomes 0.00005 and 0.00012; ExAC 0.00006.
gnomAD v4.1: 34 of 1,613,756 alleles (0.0021%); highest among the groups gnomAD compares: Admixed American, 0.053%; no homozygotes.

Submissions (4):

Labcorp Genetics (formerly Invitae), Labcorp
Classification: Likely benign. Last evaluated: 2025-12-28. Review status: criteria provided, single submitter. Criteria: Invitae Variant Classification Sherloc (09022015). Collection method: clinical testing. Allele origin: germline.

CeGaT Center for Human Genetics Tuebingen
Classification: Likely benign. Last evaluated: 2025-12-01. Review status: criteria provided, single submitter. Criteria: CeGaT Center For Human Genetics Tuebingen Variant Classification Criteria Version 2. Collection method: clinical testing. Allele origin: germline. Affected: yes. Observed: 1 variant allele.
Comment: CDH23: BP4, BP7

PreventionGenetics, part of Exact Sciences
Classification: Likely benign for CDH23-related condition. Last evaluated: 2025-01-27. Review status: criteria provided, single submitter. Criteria: ACMG Guidelines, 2015. Collection method: clinical testing. Allele origin: germline.
Comment: This variant is classified as likely benign based on ACMG/AMP sequence variant interpretation guidelines (Richards et al. 2015 PMID: 25741868, with internal and published modifications).

Blueprint Genetics
Classification: Likely benign. Last evaluated: 2020-08-27. Review status: criteria provided, single submitter. Criteria: ACMG Guidelines, 2015. Collection method: clinical testing. Allele origin: germline.